The following is an entry in ClinVar:

NM_001040142.2(SCN2A):c.5423A>G (p.Asp1808Gly)

Gene: SCN2A (sodium voltage-gated channel alpha subunit 2; plus strand). Cytogenetic location: 2q24.3.
Variant type: single nucleotide variant.
Coding change: c.5423A>G on transcript NM_001040142.2 (MANE Select); coding-DNA position 5423, A replaced by G.
Protein change: p.Asp1808Gly; replaces aspartic acid 1808 with glycine.
Molecular consequence: missense variant.
Genome position (GRCh38, 1-based): chr2:165,389,229, A>G. VCF-style: chr2-165389229-A-G. GRCh37 (hg19) VCF-style: chr2-166245739-A-G.
Other names: c.5423A>G, p.Asp1808Gly (NM_001040143.2, NM_001371246.1, NM_001371247.1 and 1 more transcripts); short protein forms D1808G.
Identifiers: ClinVar variation 852453 (VCV000852453.11), dbSNP rs1702028026, ClinGen allele CA349038953.

ClinVar aggregate classification (germline): Uncertain significance. Review status: criteria provided, multiple submitters, no conflicts (2 of 4 stars). 2 submissions from 2 submitters: Uncertain significance (2). Last evaluated 2025-10-06.

Conditions:
Seizures, benign familial infantile, 3 (BFIS3). Also called: CONVULSIONS, BENIGN FAMILIAL INFANTILE, 3; Familial neonatal seizures. Identifiers: Orphanet 140927, Orphanet 306, MedGen C1843140, MONDO:0011904, OMIM 607745.
Developmental and epileptic encephalopathy, 11 (DEE11). Also called: Early infantile epileptic encephalopathy 11. Identifiers: Orphanet 1934, MedGen C3150987, MONDO:0013388, OMIM 613721.

Allele frequency attached by ClinVar (database versions not stated): TOPMed below 0.00001.

Submissions (2):

Labcorp Genetics (formerly Invitae), Labcorp
Classification: Uncertain significance for Seizures, benign familial infantile, 3; Developmental and epileptic encephalopathy, 11. Last evaluated: 2025-10-06. Review status: criteria provided, single submitter. Criteria: Invitae Variant Classification Sherloc (09022015). Collection method: clinical testing. Allele origin: germline.
Comment: This sequence change replaces aspartic acid, which is acidic and polar, with glycine, which is neutral and non-polar, at codon 1808 of the SCN2A protein (p.Asp1808Gly). This variant is not present in population databases (gnomAD no frequency). This variant has not been reported in the literature in individuals affected with SCN2A-related conditions. ClinVar contains an entry for this variant (Variation ID: 852453). Invitae Evidence Modeling of protein sequence and biophysical properties (such as structural, functional, and spatial information, amino acid conservation, physicochemical variation, residue mobility, and thermodynamic stability) has been performed for this missense variant. However, the output from this modeling did not meet the statistical confidence thresholds required to predict the impact of this variant on SCN2A protein function. In summary, the available evidence is currently insufficient to determine the role of this variant in disease. Therefore, it has been classified as a Variant of Uncertain Significance.

GeneDx
Classification: Uncertain significance. Last evaluated: 2025-02-18. Review status: criteria provided, single submitter. Criteria: GeneDx Variant Classification Process June 2021. Collection method: clinical testing. Allele origin: germline. Affected: yes.
Comment: Not observed at significant frequency in large population cohorts (gnomAD); In silico analysis supports that this missense variant has a deleterious effect on protein structure/function; Has not been previously published as pathogenic or benign to our knowledge; This substitution is predicted to be within the C-terminal cytoplasmic domain